The following is an entry in ClinVar:

NM_001042492.3(NF1):c.2973G>T (p.Met991Ile)

Gene: NF1 (neurofibromin 1; plus strand). Cytogenetic location: 17q11.2.
Variant type: single nucleotide variant.
Coding change: c.2973G>T on transcript NM_001042492.3 (MANE Select); coding-DNA position 2973, G replaced by T.
Protein change: p.Met991Ile; replaces methionine 991 with isoleucine.
Molecular consequence: missense variant.
Genome position (GRCh38, 1-based): chr17:31,229,957, G>T. VCF-style: chr17-31229957-G-T. GRCh37 (hg19) VCF-style: chr17-29556975-G-T.
Other names: c.2973G>T, p.Met991Ile (NM_000267.4); short protein forms M991I.
Identifiers: ClinVar variation 1798310 (VCV001798310.2), dbSNP rs2151430805, ClinGen allele CA398986394.

ClinVar aggregate classification (germline): Uncertain significance (1 of 4 stars; one submission).

Conditions:
Hereditary cancer-predisposing syndrome. Also called: Neoplastic Syndromes, Hereditary; Tumor predisposition; Hereditary Cancer Syndrome; Hereditary neoplastic syndrome. Identifiers: Orphanet 140162, MedGen C0027672, MeSH D009386, MONDO:0015356.
Cardiovascular phenotype. Identifiers: MedGen CN230736.

Submission:

Ambry Genetics
Classification: Uncertain significance for Cardiovascular phenotype; Hereditary cancer-predisposing syndrome. Last evaluated: 2021-08-03. Review status: criteria provided, single submitter. Criteria: Ambry Variant Classification Scheme 2023. Collection method: clinical testing. Allele origin: germline.
Comment: The p.M991I variant (also known as c.2973G>T), located in coding exon 22 of the NF1 gene, results from a G to T substitution at nucleotide position 2973. The methionine at codon 991 is replaced by isoleucine, an amino acid with highly similar properties. This amino acid position is highly conserved in available vertebrate species. In addition, the in silico prediction for this alteration is inconclusive. Since supporting evidence is limited at this time, the clinical significance of this alteration remains unclear.